The following is an entry in ClinVar:

NM_177559.3(CSNK2A1):c.137G>T (p.Gly46Val)

Gene: CSNK2A1 (casein kinase 2 alpha 1; minus strand). Cytogenetic location: 20p13.
Variant type: single nucleotide variant.
Coding change: c.137G>T on transcript NM_177559.3 (MANE Select); coding-DNA position 137, G replaced by T.
Protein change: p.Gly46Val; replaces glycine 46 with valine.
Molecular consequence: missense variant. On other transcripts: 5 prime UTR variant (1).
Genome position (GRCh38, 1-based): chr20:505,194, C>A on the plus strand (G>T on the coding strand, the complement: CSNK2A1 is on the minus strand). VCF-style: chr20-505194-C-A. GRCh37 (hg19) VCF-style: chr20-485838-C-A.
Other names: c.137G>T, p.Gly46Val (NM_001362770.2, NM_001362771.2, NM_001895.4); c.-272G>T (NM_177560.3); c.137G>T (NM_001895.3); short protein forms G46V.
Identifiers: ClinVar variation 1299317 (VCV001299317.6), dbSNP rs2122559628, ClinGen allele CA407940212.
Genomic context (GRCh38, chr20:505,194, plus strand): 5'-ACAACTTTTTCATTATTTGTGATGTTGATGGCTTCAAATACTTCACTGTATTTACCTCGG[C>A]CTAATTTTCGAACCAGCTGGTAGTCATCTTGATTTCTGTGGACACAAACAAAATGACTTA-3'
Protein context (NP_808227.1, residues 36-56): QDDYQLVRKL[Gly46Val]RGKYSEVFEA

ClinVar aggregate classification (germline): Conflicting classifications of pathogenicity. Review status: criteria provided, conflicting classifications (1 of 4 stars). 4 submissions from 4 submitters: Likely pathogenic (2); Uncertain significance (1). 1 of the submissions does not count toward it. Last evaluated 2024-10-31.

Conditions:
Okur-Chung neurodevelopmental syndrome (OCNDS). Identifiers: Orphanet 689422, MedGen C4310739, MONDO:0014893, OMIM 617062.
CSNK2A1-related disorder. Also called: CSNK2A1-related condition; CSNK2A1- Related Disorders.

Submissions (4):

GeneDx
Classification: Uncertain significance. Last evaluated: 2024-10-31. Review status: criteria provided, single submitter. Criteria: GeneDx Variant Classification Process June 2021. Collection method: clinical testing. Allele origin: germline. Affected: yes.
Comment: Not observed at significant frequency in large population cohorts (gnomAD); In silico analysis supports that this missense variant has a deleterious effect on protein structure/function; This variant is associated with the following publications: (PMID: 36310603)

Institute of Human Genetics, University of Leipzig Medical Center
Classification: Likely pathogenic for Okur-Chung neurodevelopmental syndrome. Last evaluated: 2024-06-28. Review status: criteria provided, single submitter. Criteria: ACMG Guidelines, 2015. Collection method: clinical testing. Allele origin: unknown. Inheritance: Autosomal dominant inheritance. Affected: yes.
Comment: Criteria applied: PM1,PM2,PS4_SUP,PP2,PP3

Institute for Genomic Medicine, Nationwide Children's Hospital
Classification: Likely pathogenic for Okur-Chung neurodevelopmental syndrome. Last evaluated: 2024-05-07. Review status: criteria provided, single submitter. Criteria: ACMG Guidelines, 2015. Collection method: research. Allele origin: maternal. Inheritance: Autosomal dominant inheritance. Affected: yes. Observed: 1 heterozygote.
Comment: The NM_177559.3:c.137G>T variant was identified by research genome sequencing in a family kindred with autosomal dominant Okur-Chung Neurodevelopmental syndrome. It is predicted to cause a missense change (p.Gly46Val) in CSNK2A1. This variant is absent from public databases including gnomAD v4, AllOfUs, and RGC-ME, making it extremely rare. Most in silico tools (27 of 32 including REVEL) predict it to damage the encoded protein. This variant segregates with disease in our family kindred (heterozygous in 3/3 affected individuals). We interpret this variant as Likely Pathogenic.

PreventionGenetics, part of Exact Sciences
Classification: Uncertain significance for CSNK2A1-related condition. Last evaluated: 2024-06-20. Review status: no assertion criteria provided. Collection method: clinical testing. Allele origin: germline. Not counted in ClinVar's aggregate classification.
Comment: The CSNK2A1 c.137G>T variant is predicted to result in the amino acid substitution p.Gly46Val. This variant was reported to have occurred in an individual with Okur-Chung neurodevelopmental syndrome, with the patient being initially described in ClinVar and no additional information provided in the literature report (Unni et al. 2022. PubMed ID: 36310603). In ClinVar, there is one entry for this variant with an interpretation of uncertain with limited evidence provided, as well as an entry with an interpretation of likely pathogenic which describes a family with three of three affected individuals heterozygous for this variant. This variant has not been reported in a large population database, indicating this variant is rare. Although we suspect that this variant may be pathogenic, at this time its clinical significance is uncertain due to the absence of conclusive functional and genetic evidence.